The following is an entry in ClinVar:

ClinVar aggregate classification (germline): Uncertain significance (1 of 4 stars; one submission).

Submission:

GeneDx
Classification: Uncertain significance. Last evaluated: 2025-04-03. Review status: criteria provided, single submitter. Criteria: GeneDx Variant Classification Process June 2021. Collection method: clinical testing. Allele origin: germline. Affected: yes.
Comment: Not observed at significant frequency in large population cohorts (gnomAD); In silico analysis supports that this missense variant has a deleterious effect on protein structure/function; Has not been previously published as pathogenic or benign to our knowledge

NM_015057.5(MYCBP2):c.1015G>T (p.Asp339Tyr)

Gene: MYCBP2 (MYC binding protein 2; minus strand). Cytogenetic location: 13q22.3.
Variant type: single nucleotide variant.
Coding change: c.1015G>T on transcript NM_015057.5 (MANE Select); coding-DNA position 1015, G replaced by T.
Protein change: p.Asp339Tyr; replaces aspartic acid 339 with tyrosine.
Molecular consequence: missense variant.
Genome position (GRCh38, 1-based): chr13:77,270,469, C>A on the plus strand (G>T on the coding strand, the complement: MYCBP2 is on the minus strand). VCF-style: chr13-77270469-C-A. GRCh37 (hg19) VCF-style: chr13-77844604-C-A.
Other names: short protein forms D339Y.
Identifiers: ClinVar variation 4278781 (VCV004278781.1).